The following is an entry in ClinVar:

ClinVar aggregate classification (germline): Uncertain significance (1 of 4 stars; one submission).

Submission:

Labcorp Genetics (formerly Invitae), Labcorp
Classification: Uncertain significance. Last evaluated: 2021-11-14. Review status: criteria provided, single submitter. Criteria: Invitae Variant Classification Sherloc (09022015). Collection method: clinical testing. Allele origin: germline.
Comment: This sequence change replaces methionine, which is neutral and non-polar, with threonine, which is neutral and polar, at codon 226 of the NTHL1 protein (p.Met226Thr). In summary, the available evidence is currently insufficient to determine the role of this variant in disease. Therefore, it has been classified as a Variant of Uncertain Significance. Algorithms developed to predict the effect of missense changes on protein structure and function are either unavailable or do not agree on the potential impact of this missense change (SIFT: "Not Available"; PolyPhen-2: "Possibly Damaging"; Align-GVGD: "Not Available"). This variant has not been reported in the literature in individuals affected with NTHL1-related conditions. This variant is not present in population databases (gnomAD no frequency).

NM_002528.7(NTHL1):c.653T>C (p.Met218Thr)

Gene: NTHL1 (nth like DNA glycosylase 1; minus strand). Cytogenetic location: 16p13.3.
Variant type: single nucleotide variant.
Coding change: c.653T>C on transcript NM_002528.7 (MANE Select); coding-DNA position 653, T replaced by C.
Protein change: p.Met218Thr; replaces methionine 218 with threonine.
Molecular consequence: missense variant.
Genome position (GRCh38, 1-based): chr16:2,043,599, A>G on the plus strand (T>C on the coding strand, the complement: NTHL1 is on the minus strand). VCF-style: chr16-2043599-A-G. GRCh37 (hg19) VCF-style: chr16-2093600-A-G.
Other names: c.482T>C, p.Met161Thr (NM_001318193.2); c.323T>C, p.Met108Thr (NM_001318194.2); short protein forms M161T, M108T, M218T.
Identifiers: ClinVar variation 1378841 (VCV001378841.6), dbSNP rs2150941201, ClinGen allele CA394291059.